The following is an entry in ClinVar:

NM_024312.5(GNPTAB):c.1001G>T (p.Arg334Leu)

Gene: GNPTAB (N-acetylglucosamine-1-phosphate transferase subunits alpha and beta; minus strand). Cytogenetic location: 12q23.2.
Variant type: single nucleotide variant.
Coding change: c.1001G>T on transcript NM_024312.5 (MANE Select); coding-DNA position 1001, G replaced by T.
Protein change: p.Arg334Leu; replaces arginine 334 with leucine.
Molecular consequence: missense variant.
Genome position (GRCh38, 1-based): chr12:101,770,518, C>A on the plus strand (G>T on the coding strand, the complement: GNPTAB is on the minus strand). VCF-style: chr12-101770518-C-A. GRCh37 (hg19) VCF-style: chr12-102164296-C-A.
Other names: short protein forms R334L.
Identifiers: ClinVar variation 39019 (VCV000039019.14), dbSNP rs281864970, ClinGen allele CA343332.
Genomic context (GRCh38, chr12:101,770,518, plus strand): 5'-ATCTGCCCGTTGGTGACAATGAAAATATTCCGAACCCATGGTGCATGCCTCTCGATAGAT[C>A]GCAATGAGTACCTCAGTTCTTCGTTATCTTCAAAACGACTGGCAGAGATGTCTTCATCCT-3'
Protein context (NP_077288.2, residues 324-344): EDNEELRYSL[Arg334Leu]SIERHAPWVR

ClinVar aggregate classification (germline): Likely pathogenic. Review status: criteria provided, multiple submitters, no conflicts (2 of 4 stars). 3 submissions from 3 submitters: Likely pathogenic (2). 1 of the submissions does not count toward it. Last evaluated 2025-01-14.

Conditions:
Mucolipidosis. Also called: Mucolipidoses. Identifiers: Orphanet 79212, MedGen C0026697, MONDO:0019248.
Mucolipidosis type II. Also called: Mucolipidosis 2; ML 2; Inclusion cell disease; Leroy Disease; N-acetylglucosamine 1phosphotransferase deficiency; ML disorder type 2. Identifiers: Orphanet 576, MedGen C2673377, MONDO:0009650, OMIM 252500.
Pseudo-Hurler polydystrophy. Also called: Type III Mucolipidosis; ML IIIA; Mucolipidosis III Alpha/Beta; MUCOLIPIDOSIS IIIA; ML III; ML III ALPHA/BETA. Identifiers: Orphanet 423461, Orphanet 577, MedGen C0033788, MONDO:0018931, OMIM 252600.

gnomAD v4.1: 2 of 1,612,938 alleles (0.00012%); highest among the groups gnomAD compares: Non-Finnish European, 0.00017%; no homozygotes.

Submissions (3):

Women's Health and Genetics/Laboratory Corporation of America, LabCorp
Classification: Likely pathogenic for Mucolipidosis. Last evaluated: 2025-01-14. Review status: criteria provided, single submitter. Criteria: LabCorp Variant Classification Summary - May 2015. Collection method: clinical testing. Allele origin: germline.
Comment: Variant summary: GNPTAB c.1001G>T (p.Arg334Leu) results in a non-conservative amino acid change in the encoded protein sequence. Five of five in-silico tools predict a damaging effect of the variant on protein function. The variant was absent in 251328 control chromosomes (gnomAD). c.1001G>T has been reported in the literature in at least one individual affected with Mucolipidosis (Otomo_2009). At least one publication reports experimental evidence evaluating an impact on protein function and this variant affected GNPTAB protein function (Qian_2015). The following publications have been ascertained in the context of this evaluation (PMID: 19197337, 25505245, 19634183, 28095893). ClinVar contains an entry for this variant (Variation ID: 39019). Based on the evidence outlined above, the variant was classified as likely pathogenic.

Labcorp Genetics (formerly Invitae), Labcorp
Classification: Likely pathogenic for Pseudo-Hurler polydystrophy; Mucolipidosis type II. Last evaluated: 2019-11-12. Review status: criteria provided, single submitter. Criteria: Invitae Variant Classification Sherloc (09022015). Collection method: clinical testing. Allele origin: germline.
Comment: This sequence change replaces arginine with leucine at codon 334 of the GNPTAB protein (p.Arg334Leu). The arginine residue is highly conserved and there is a moderate physicochemical difference between arginine and leucine. This variant is not present in population databases (ExAC no frequency). This variant has been observed in individual(s) with GNPTAB-related conditions (PMID: 19197337). ClinVar contains an entry for this variant (Variation ID: 39019). This variant has been reported to affect GNPTAB protein function (PMID: 25505245). This variant disrupts the p.Arg334 amino acid residue in GNPTAB. Other variant(s) that disrupt this residue have been observed in individuals with GNPTAB-related conditions (PMID: 29872134, 19617216), which suggests that this may be a clinically significant amino acid residue. In summary, the currently available evidence indicates that the variant is pathogenic, but additional data are needed to prove that conclusively. Therefore, this variant has been classified as Likely Pathogenic.

GeneReviews
No classification provided. Condition: Mucolipidosis type II. Review status: no classification provided. Collection method: literature only. Allele origin: unknown. Not counted in ClinVar's aggregate classification.

Literature cited by the submitters: PubMed 19197337 (cited by 3 submitters); PubMed 19634183 (cited by Women's Health and Genetics/Laboratory Corporation of America, LabCorp); PubMed 25505245 (cited by Women's Health and Genetics/Laboratory Corporation of America, LabCorp and Labcorp Genetics (formerly Invitae), Labcorp); PubMed 28095893 (cited by Women's Health and Genetics/Laboratory Corporation of America, LabCorp); PubMed 29872134 (cited by Labcorp Genetics (formerly Invitae), Labcorp); PubMed 19617216 (cited by Labcorp Genetics (formerly Invitae), Labcorp); PubMed 20301728 (cited by GeneReviews); NCBI Bookshelf NBK1828 (cited by GeneReviews).